The following is an entry in ClinVar:

NM_002439.5(MSH3):c.316C>A (p.Gln106Lys)

Gene: MSH3 (mutS homolog 3; plus strand). Cytogenetic location: 5q14.1.
Variant type: single nucleotide variant.
Coding change: c.316C>A on transcript NM_002439.5 (MANE Select); coding-DNA position 316, C replaced by A.
Protein change: p.Gln106Lys; replaces glutamine 106 with lysine.
Molecular consequence: missense variant.
Genome position (GRCh38, 1-based): chr5:80,656,489, C>A. VCF-style: chr5-80656489-C-A. GRCh37 (hg19) VCF-style: chr5-79952308-C-A.
Other names: short protein forms Q106K.
Identifiers: ClinVar variation 5024792 (VCV005024792.1).
Genomic context (GRCh38, chr5:80,656,489, plus strand): 5'-AGAAAGAAGAGACCATTGGAAAATGATGGGCCTGTTAAAAAGAAAGTAAAGAAAGTCCAA[C>A]AAAAGGAAGGAGGAAGTGATCTGGGAATGTCTGGCAACTCTGGTGAGTTGTGGGGGATTC-3'
Protein context (NP_002430.3, residues 96-116): PVKKKVKKVQ[Gln106Lys]KEGGSDLGMS

ClinVar aggregate classification (germline): Uncertain significance (1 of 4 stars; one submission).

Conditions:
Hereditary cancer-predisposing syndrome. Also called: Neoplastic Syndromes, Hereditary; Tumor predisposition; Hereditary neoplastic syndrome; Hereditary Cancer Syndrome. Identifiers: Orphanet 140162, MedGen C0027672, MeSH D009386, MONDO:0015356.

Submission:

Ambry Genetics
Classification: Uncertain significance for Hereditary cancer-predisposing syndrome. Last evaluated: 2026-07-07. Review status: criteria provided, single submitter. Criteria: Ambry Variant Classification Scheme 2023. Collection method: clinical testing. Allele origin: germline.
Comment: The p.Q106K variant (also known as c.316C>A), located in coding exon 2 of the MSH3 gene, results from a C to A substitution at nucleotide position 316. The glutamine at codon 106 is replaced by lysine, an amino acid with similar properties. This amino acid position is conserved. In addition, this alteration is predicted to be tolerated by in silico analysis. Based on the available evidence, the clinical significance of this variant remains unclear.